The following is an entry in ClinVar:

ClinVar aggregate classification (germline): Uncertain significance (1 of 4 stars; one submission).

Allele frequency attached by ClinVar (database versions not stated): TOPMed below 0.00001.

Submission:

GeneDx
Classification: Uncertain significance. Last evaluated: 2020-07-14. Review status: criteria provided, single submitter. Criteria: GeneDx Variant Classification Process June 2021. Collection method: clinical testing. Allele origin: germline. Affected: yes.
Comment: Not observed in large population cohorts (Lek et al., 2016); In silico analysis supports that this missense variant has a deleterious effect on protein structure/function; Has not been previously published as pathogenic or benign to our knowledge; Variants in candidate genes are classified as variants of uncertain significance in accordance with ACMG guidelines (Richards et al., 2015)

NM_016148.5(SHANK1):c.4055C>G (p.Pro1352Arg)

Gene: SHANK1 (SH3 and multiple ankyrin repeat domains 1; minus strand). Cytogenetic location: 19q13.33.
Variant type: single nucleotide variant.
Coding change: c.4055C>G on transcript NM_016148.5 (MANE Select); coding-DNA position 4055, C replaced by G.
Protein change: p.Pro1352Arg; replaces proline 1352 with arginine.
Molecular consequence: missense variant.
Genome position (GRCh38, 1-based): chr19:50,667,905, G>C on the plus strand (C>G on the coding strand, the complement: SHANK1 is on the minus strand). VCF-style: chr19-50667905-G-C. GRCh37 (hg19) VCF-style: chr19-51171162-G-C.
Other names: short protein forms P1352R.
Identifiers: ClinVar variation 1313085 (VCV001313085.2), dbSNP rs1985609744, ClinGen allele CA407015258.